The following is an entry in ClinVar:

NM_015158.5(KANK1):c.1191G>T (p.Glu397Asp)

Gene: KANK1 (KN motif and ankyrin repeat domains 1; plus strand). Cytogenetic location: 9p24.3.
Variant type: single nucleotide variant.
Coding change: c.1191G>T on transcript NM_015158.5 (MANE Select); coding-DNA position 1191, G replaced by T.
Protein change: p.Glu397Asp; replaces glutamic acid 397 with aspartic acid.
Molecular consequence: missense variant. On other transcripts: non-coding transcript variant (1).
Genome position (GRCh38, 1-based): chr9:711,957, G>T. VCF-style: chr9-711957-G-T. GRCh37 (hg19) VCF-style: chr9-711957-G-T.
Other names: c.717G>T, p.Glu239Asp (NM_001354338.2, NM_001354339.2, NM_001354340.2 and 9 more transcripts); c.1191G>T, p.Glu397Asp (NM_001256876.3, NM_001256877.3, NM_001354331.2 and 2 more transcripts); short protein forms E239D, E397D.
Identifiers: ClinVar variation 2184239 (VCV002184239.4), dbSNP rs754254950, ClinGen allele CA4960149.

ClinVar aggregate classification (germline): Uncertain significance (1 of 4 stars; one submission).

Allele frequency attached by ClinVar (database versions not stated): gnomAD exomes 0.00001; TOPMed 0.00002; ExAC 0.00003; gnomAD 0.00003.
gnomAD v4.1: 25 of 1,614,068 alleles (0.0015%); highest among the groups gnomAD compares: Non-Finnish European, 0.00051%; no homozygotes.

Submission:

Labcorp Genetics (formerly Invitae), Labcorp
Classification: Uncertain significance. Last evaluated: 2024-10-25. Review status: criteria provided, single submitter. Criteria: Invitae Variant Classification Sherloc (09022015). Collection method: clinical testing. Allele origin: germline.
Comment: This sequence change replaces glutamic acid, which is acidic and polar, with aspartic acid, which is acidic and polar, at codon 397 of the KANK1 protein (p.Glu397Asp). This variant is present in population databases (rs754254950, gnomAD 0.08%), and has an allele count higher than expected for a pathogenic variant. This variant has not been reported in the literature in individuals affected with KANK1-related conditions. ClinVar contains an entry for this variant (Variation ID: 2184239). Invitae Evidence Modeling of protein sequence and biophysical properties (such as structural, functional, and spatial information, amino acid conservation, physicochemical variation, residue mobility, and thermodynamic stability) indicates that this missense variant is not expected to disrupt KANK1 protein function with a negative predictive value of 80%. In summary, the available evidence is currently insufficient to determine the role of this variant in disease. Therefore, it has been classified as a Variant of Uncertain Significance.